The following is an entry in ClinVar:

ClinVar aggregate classification (germline): Pathogenic. Review status: criteria provided, single submitter (1 of 4 stars). 2 submissions from 2 submitters: Pathogenic (1). 1 of the submissions does not count toward it. Last evaluated 2024-10-09.

Conditions:
Tuberous sclerosis 1 (TSC1). Identifiers: Orphanet 805, MedGen C1854465, MONDO:0008612, OMIM 191100.
Tuberous sclerosis syndrome (TSC). Also called: Tuberous sclerosis; Tuberous Sclerosis Complex. Identifiers: Orphanet 805, MedGen C0041341, MONDO:0001734.

Submissions (2):

Victorian Clinical Genetics Services, Murdoch Childrens Research Institute
Classification: Pathogenic for Tuberous sclerosis 1. Last evaluated: 2024-10-09. Review status: criteria provided, single submitter. Criteria: ACMG Guidelines, 2015. Collection method: clinical testing. Allele origin: germline. Inheritance: Autosomal dominant inheritance. Affected: yes.
Comment: Based on the classification scheme VCGS_Germline_v1.3.4, this variant is classified as Pathogenic. Following criteria are met: 0102 - Loss of function is a known mechanism of disease in this gene and is associated with tuberous sclerosis-1 (MIM#191100). (I) 0107 - This gene is associated with autosomal dominant disease. (I) 0115 - Variants in this gene are known to have variable expressivity (OMIM). (I) 0201 - Variant is predicted to cause nonsense-mediated decay (NMD) and loss of protein (premature termination codon is located at least 54 nucleotides upstream of the final exon-exon junction). (SP) 0251 - This variant is heterozygous. (I) 0301 - Variant is absent from gnomAD (both v2 and v3). (SP) 0701 - Other NMD-predicted variants comparable to the one identified in this case have very strong previous evidence for pathogenicity. Many NMD-predicted variants have been previously reported as pathogenic (ClinVar). (SP) 0809 - Previous evidence of pathogenicity for this variant is inconclusive. This variant is listed as pathogenic in the LOVD database; however, no patient information or other evidence was provided for this classification. (I) 0905 - No published segregation evidence has been identified for this variant. (I) 1007 - No published functional evidence has been identified for this variant. (I) 1208 - Inheritance information for this variant is not currently available in this individual. (I) Legend: (SP) - Supporting pathogenic, (I) - Information, (SB) - Supporting benign

Tuberous sclerosis database (TSC1)
No classification provided. Condition: TSC. Review status: no classification provided. Criteria: Tuberous Sclerosis Database Assertion Criteria 2015. Collection method: curation. Allele origin: germline. Affected: yes. Not counted in ClinVar's aggregate classification.

NM_000368.5(TSC1):c.1366_1367del (p.Leu456fs)

Gene: TSC1 (TSC complex subunit 1; minus strand). Cytogenetic location: 9q34.13.
Variant type: Microsatellite.
Coding change: c.1366_1367del on transcript NM_000368.5 (MANE Select); coding-DNA positions 1366 to 1367, 2 bases deleted (CT; older notation c.1366_1367delCT).
Protein change: p.Leu456fs; shifts the reading frame from leucine 456.
Molecular consequence: frameshift variant.
Genome position (GRCh38, 1-based): chr9:132,906,802-132,906,803, AG deleted on the plus strand (CT on the coding strand, the reverse complement: TSC1 is on the minus strand); deleting any 2 consecutive bases within chr9:132,906,802-132,906,805 gives the same sequence; the c. name uses the placement nearest the transcript's 3' end. VCF-style (leftmost placement, unchanged base first): chr9-132906801-TAG-T. GRCh37 (hg19) VCF-style: chr9-135782188-TAG-T.
Other names: c.1366_1367del (NM_000368.4); c.1363_1364del, p.Leu455fs (NM_001162426.2); c.1213_1214del, p.Leu405fs (NM_001162427.2); c.1003_1004del, p.Leu335fs (NM_001362177.2); c.1366_1367delCT (NM_000368.4); short protein forms L335fs, L405fs, L455fs, L456fs.
Identifiers: ClinVar variation 64732 (VCV000064732.3), dbSNP rs397514798, ClinGen allele CA004725.